The following is an entry in ClinVar:

NM_002890.3(RASA1):c.683A>G (p.Asn228Ser)

Genes: CCNH (cyclin H; minus strand), RASA1 (RAS p21 protein activator 1; plus strand). Cytogenetic location: 5q14.3.
Variant type: single nucleotide variant.
Coding change: c.683A>G on transcript NM_002890.3 (MANE Select); coding-DNA position 683, A replaced by G.
Protein change: p.Asn228Ser; replaces asparagine 228 with serine.
Molecular consequence: missense variant. On other transcripts: intron variant (1).
Genome position (GRCh38, 1-based): chr5:87,331,491, A>G. VCF-style: chr5-87331491-A-G. GRCh37 (hg19) VCF-style: chr5-86627308-A-G.
Other names: c.152A>G, p.Asn51Ser (NM_022650.3); c.934-18696T>C (NM_001364075.2); short protein forms N228S, N51S.
Identifiers: ClinVar variation 4150712 (VCV004150712.1).

ClinVar aggregate classification (germline): Uncertain significance (1 of 4 stars; one submission).

Conditions:
Cardiovascular phenotype. Identifiers: MedGen CN230736.

gnomAD v4.1: 4 of 1,613,784 alleles (0.00025%); highest among the groups gnomAD compares: East Asian, 0.0022%; no homozygotes.

Submission:

Ambry Genetics
Classification: Uncertain significance for Cardiovascular phenotype. Last evaluated: 2025-08-03. Review status: criteria provided, single submitter. Criteria: Ambry Variant Classification Scheme 2023. Collection method: clinical testing. Allele origin: germline.
Comment: The p.N228S variant (also known as c.683A>G), located in coding exon 2 of the RASA1 gene, results from an A to G substitution at nucleotide position 683. The asparagine at codon 228 is replaced by serine, an amino acid with highly similar properties. This amino acid position is conserved. In addition, this alteration is predicted to be tolerated by in silico analysis. Based on the available evidence, the clinical significance of this variant remains unclear.